The following is an entry in ClinVar:

NM_001267550.2(TTN):c.35278G>A (p.Val11760Ile)

Gene: TTN (titin; minus strand). Cytogenetic location: 2q31.2.
Variant type: single nucleotide variant.
Coding change: c.35278G>A on transcript NM_001267550.2 (MANE Select); coding-DNA position 35278, G replaced by A.
Protein change: p.Val11760Ile; replaces valine 11760 with isoleucine.
Molecular consequence: missense variant. On other transcripts: intron variant (3).
Genome position (GRCh38, 1-based): chr2:178,671,120, C>T on the plus strand (G>A on the coding strand, the complement: TTN is on the minus strand). VCF-style: chr2-178671120-C-T. GRCh37 (hg19) VCF-style: chr2-179535847-C-T.
Other names: c.34156G>A, p.Val11386Ile (NM_001256850.1); c.31375G>A, p.Val10459Ile (NM_133378.4); c.13283-28803G>A (NM_003319.4); c.13859-28803G>A (NM_133437.4); c.13658-28803G>A (NM_133432.3); short protein forms V10459I, V11386I, V11760I.
Identifiers: ClinVar variation 3390081 (VCV003390081.14).

ClinVar aggregate classification (germline): Uncertain significance (1 of 4 stars; one submission).

Submission:

CeGaT Center for Human Genetics Tuebingen
Classification: Uncertain significance. Last evaluated: 2024-11-01. Review status: criteria provided, single submitter. Criteria: CeGaT Center For Human Genetics Tuebingen Variant Classification Criteria Version 2. Collection method: clinical testing. Allele origin: germline. Affected: yes. Observed: 1 variant allele.
Comment: TTN: PM2, BP4